The following is an entry in ClinVar:

ClinVar aggregate classification (germline): Uncertain significance (1 of 4 stars; one submission).

Conditions:
SCN2A-related disorder. Also called: SCN2A-related condition; SCN2A-related disorders. Identifiers: MedGen CN382226, MONDO:1060245.

Submission:

Rady Children's Institute for Genomic Medicine, Rady Children's Hospital San Diego
Classification: Uncertain significance for SCN2A-related disorders. Last evaluated: 2023-06-02. Review status: criteria provided, single submitter. Criteria: ACMG Guidelines, 2015. Collection method: clinical testing. Allele origin: germline. Affected: yes.
Comment: The SCN2A gene is highly constrained (Z-score= 6.46 and pLI = 1), which suggests it is intolerant to variation. The c.2091T> (p.Asp697Glu) variant affects a highly conserved amino acid; however, in silico tools used to predict the effect of this variant on protein function yield discordant results. This variant has not been previously reported or functionally characterized in the literature to our knowledge. The c.2091T> (p.Asp697Glu) variant is absent from the gnomAD population database and thus is presumed to be rare. Analysis of the parental samples was negative for the variant, indicating this variant likely occurred as a de novo event. Based on the available evidence, c.399G>C (p.Lys133Asn) is classified as a Variant of Uncertain Significance.

NM_001040142.2(SCN2A):c.2091T>A (p.Asp697Glu)

Gene: SCN2A (sodium voltage-gated channel alpha subunit 2; plus strand). Cytogenetic location: 2q24.3.
Variant type: single nucleotide variant.
Coding change: c.2091T>A on transcript NM_001040142.2 (MANE Select); coding-DNA position 2091, T replaced by A.
Protein change: p.Asp697Glu; replaces aspartic acid 697 with glutamic acid.
Molecular consequence: missense variant.
Genome position (GRCh38, 1-based): chr2:165,326,926, T>A. VCF-style: chr2-165326926-T-A. GRCh37 (hg19) VCF-style: chr2-166183436-T-A.
Other names: c.2091T>A, p.Asp697Glu (NM_001040143.2, NM_001371246.1, NM_001371247.1 and 1 more transcripts); short protein forms D697E.
Identifiers: ClinVar variation 4814184 (VCV004814184.1).
Genomic context (GRCh38, chr2:165,326,926, plus strand): 5'-AACAGAAATAAGAAAGAGACGGTCCAGTTCTTATCATGTTTCCATGGATTTATTGGAAGA[T>A]CCTACATCAAGGCAAAGAGCAATGAGTATAGCCAGTATTTTGACCAACACCATGGAAGGT-3'
Protein context (NP_001035232.1, residues 687-707): SYHVSMDLLE[Asp697Glu]PTSRQRAMSI